The following is an entry in ClinVar:

ClinVar aggregate classification (germline): Conflicting classifications of pathogenicity. Review status: criteria provided, conflicting classifications (1 of 4 stars). 5 submissions from 5 submitters: Uncertain significance (4); Benign (1). Last evaluated 2025-12-09.

Conditions:
Hereditary cancer-predisposing syndrome. Also called: Neoplastic Syndromes, Hereditary; Hereditary Cancer Syndrome; Hereditary neoplastic syndrome; Tumor predisposition. Identifiers: Orphanet 140162, MedGen C0027672, MeSH D009386, MONDO:0015356.
Ovarian cancer. Also called: OVARIAN CANCER, SOMATIC. Identifiers: Orphanet 213500, MedGen C1140680, MONDO:0008170, OMIM 167000.
Birt-Hogg-Dube syndrome. Also called: Birt Hogg Dubé syndrome. Identifiers: Orphanet 122, MedGen C0346010, MONDO:0800444.
Nonpapillary renal cell carcinoma. Identifiers: Orphanet 422526, MedGen CN074294, MONDO:0007763, OMIM 144700.
Birt-Hogg-Dube syndrome 1 (BHD1). Also called: FIBROFOLLICULOMAS WITH TRICHODISCOMAS AND ACROCHORDONS. Identifiers: Orphanet 122, MedGen CN375946, MONDO:0800445, OMIM 135150.
Familial spontaneous pneumothorax (PSP). Identifiers: Orphanet 2903, MedGen C1868193, MONDO:0008259, OMIM 173600.
Colorectal cancer. Also called: Colorectal cancer, somatic; Malignant Colorectal Neoplasm. Identifiers: MedGen C0346629, MONDO:0005575, OMIM 114500.

Allele frequency attached by ClinVar (database versions not stated): gnomAD exomes below 0.00001; TOPMed below 0.00001.
gnomAD v4.1: 2 of 1,614,114 alleles (0.00012%); highest among the groups gnomAD compares: Non-Finnish European, 0.00017%; no homozygotes.

Submissions (5):

Ambry Genetics
Classification: Uncertain significance for Hereditary cancer-predisposing syndrome. Last evaluated: 2025-12-09. Review status: criteria provided, single submitter. Criteria: Ambry Variant Classification Scheme 2023. Collection method: clinical testing. Allele origin: germline.
Comment: The p.V107I variant (also known as c.319G>A), located in coding exon 2 of the FLCN gene, results from a G to A substitution at nucleotide position 319. The valine at codon 107 is replaced by isoleucine, an amino acid with highly similar properties. This amino acid position is well conserved in available vertebrate species. In addition, the in silico prediction for this alteration is inconclusive. Based on the available evidence, the clinical significance of this variant remains unclear.

Fulgent Genetics
Classification: Uncertain significance for Colorectal cancer; Birt-Hogg-Dube syndrome 1; Nonpapillary renal cell carcinoma; Familial spontaneous pneumothorax. Last evaluated: 2024-06-12. Review status: criteria provided, single submitter. Criteria: ACMG Guidelines, 2015. Collection method: clinical testing. Allele origin: germline.

Labcorp Genetics (formerly Invitae), Labcorp
Classification: Uncertain significance for Birt-Hogg-Dube syndrome. Last evaluated: 2023-03-20. Review status: criteria provided, single submitter. Criteria: Invitae Variant Classification Sherloc (09022015). Collection method: clinical testing. Allele origin: germline.
Comment: This sequence change replaces valine, which is neutral and non-polar, with isoleucine, which is neutral and non-polar, at codon 107 of the FLCN protein (p.Val107Ile). This variant is present in population databases (no rsID available, gnomAD 0.01%). This variant has not been reported in the literature in individuals affected with FLCN-related conditions. ClinVar contains an entry for this variant (Variation ID: 853980). Advanced modeling of protein sequence and biophysical properties (such as structural, functional, and spatial information, amino acid conservation, physicochemical variation, residue mobility, and thermodynamic stability) performed at Invitae indicates that this missense variant is not expected to disrupt FLCN protein function. In summary, the available evidence is currently insufficient to determine the role of this variant in disease. Therefore, it has been classified as a Variant of Uncertain Significance.

GeneDx
Classification: Uncertain significance. Last evaluated: 2023-02-28. Review status: criteria provided, single submitter. Criteria: GeneDx Variant Classification Process June 2021. Collection method: clinical testing. Allele origin: germline. Affected: yes.
Comment: Not observed at significant frequency in large population cohorts (gnomAD); In silico analysis supports that this missense variant does not alter protein structure/function; Has not been previously published as pathogenic or benign to our knowledge

Laboratory of Molecular Epidemiology of Birth Defects, West China Second University Hospital, Sichuan University
Classification: Benign for Ovarian cancer. Last evaluated: 2022-01-01. Review status: criteria provided, single submitter. Criteria: ACMG Guidelines, 2015. Collection method: clinical testing. Allele origin: germline. Affected: yes.

NM_144997.7(FLCN):c.319G>A (p.Val107Ile)

Gene: FLCN (folliculin; minus strand). Cytogenetic location: 17p11.2.
Variant type: single nucleotide variant.
Coding change: c.319G>A on transcript NM_144997.7 (MANE Select); coding-DNA position 319, G replaced by A.
Protein change: p.Val107Ile; replaces valine 107 with isoleucine.
Molecular consequence: missense variant.
Genome position (GRCh38, 1-based): chr17:17,226,253, C>T on the plus strand (G>A on the coding strand, the complement: FLCN is on the minus strand). VCF-style: chr17-17226253-C-T. GRCh37 (hg19) VCF-style: chr17-17129567-C-T.
Other names: c.319G>A, p.Val107Ile (NM_001353229.2, NM_001353230.2, NM_001353231.2 and 1 more transcripts); short protein forms V107I.
Identifiers: ClinVar variation 853980 (VCV000853980.14), dbSNP rs1372666497, ClinGen allele CA398534851.
Genomic context (GRCh38, chr17:17,226,253, plus strand): 5'-GGACACAGGCCTGGCGGACAATGCTGAAGAGCTGGGGGTGGCTGGGGTGCTGGTGGCTGA[C>T]GTATTTAATGGAGGTCTCTTTATCATGGCTGATATATCCCGGGTGCCCTGCAGCAAGTGA-3'
Protein context (NP_659434.2, residues 97-117): SHDKETSIKY[Val107Ile]SHQHPSHPQL